The following is an entry in ClinVar:

ClinVar aggregate classification (germline): Uncertain significance (1 of 4 stars; one submission).

Allele frequency attached by ClinVar (database versions not stated): gnomAD exomes below 0.00001; ExAC 0.00001.
gnomAD v4.1: 3 of 1,613,892 alleles (0.00019%); highest among the groups gnomAD compares: South Asian, 0.0011%; no homozygotes.

Submission:

Labcorp Genetics (formerly Invitae), Labcorp
Classification: Uncertain significance. Last evaluated: 2023-11-21. Review status: criteria provided, single submitter. Criteria: Invitae Variant Classification Sherloc (09022015). Collection method: clinical testing. Allele origin: germline.
Comment: This sequence change replaces glycine, which is neutral and non-polar, with glutamic acid, which is acidic and polar, at codon 305 of the BACH2 protein (p.Gly305Glu). This variant is not present in population databases (gnomAD no frequency). This variant has not been reported in the literature in individuals affected with BACH2-related conditions. Advanced modeling of protein sequence and biophysical properties (such as structural, functional, and spatial information, amino acid conservation, physicochemical variation, residue mobility, and thermodynamic stability) performed at Invitae indicates that this missense variant is not expected to disrupt BACH2 protein function with a negative predictive value of 80%. In summary, the available evidence is currently insufficient to determine the role of this variant in disease. Therefore, it has been classified as a Variant of Uncertain Significance.

NM_021813.4(BACH2):c.914G>A (p.Gly305Glu)

Gene: BACH2 (BACH transcriptional regulator 2; minus strand). Cytogenetic location: 6q15.
Variant type: single nucleotide variant.
Coding change: c.914G>A on transcript NM_021813.4 (MANE Select); coding-DNA position 914, G replaced by A.
Protein change: p.Gly305Glu; replaces glycine 305 with glutamic acid.
Molecular consequence: missense variant.
Genome position (GRCh38, 1-based): chr6:89,951,192, C>T on the plus strand (G>A on the coding strand, the complement: BACH2 is on the minus strand). VCF-style: chr6-89951192-C-T. GRCh37 (hg19) VCF-style: chr6-90660911-C-T.
Other names: c.914G>A, p.Gly305Glu (NM_001170794.2); short protein forms G305E.
Identifiers: ClinVar variation 2998323 (VCV002998323.3), dbSNP rs746302374, ClinGen allele CA3928084.